The following is an entry in ClinVar:

ClinVar aggregate classification (germline): Uncertain significance (1 of 4 stars; one submission).

Conditions:
Progressive myoclonic epilepsy type 9. Identifiers: Orphanet 457265, MedGen C4225289, MONDO:0014685, OMIM 616540.
Lipodystrophy, partial, acquired, susceptibility to (APLD). Also called: APLD, SUSCEPTIBILITY TO. Identifiers: MedGen C3887501, MONDO:0100476, OMIM 608709.

Allele frequency attached by ClinVar (database versions not stated): gnomAD exomes below 0.00001.
gnomAD v4.1: 1 of 1,610,370 alleles (0.000062%); highest among the groups gnomAD compares: African/African-American, 0.0013%; no homozygotes.

Submission:

Labcorp Genetics (formerly Invitae), Labcorp
Classification: Uncertain significance for Progressive myoclonic epilepsy type 9; Lipodystrophy, partial, acquired, susceptibility to. Last evaluated: 2024-09-05. Review status: criteria provided, single submitter. Criteria: Invitae Variant Classification Sherloc (09022015). Collection method: clinical testing. Allele origin: germline.
Comment: This sequence change replaces glutamic acid, which is acidic and polar, with aspartic acid, which is acidic and polar, at codon 442 of the LMNB2 protein (p.Glu442Asp). This variant is not present in population databases (gnomAD no frequency). This variant has not been reported in the literature in individuals affected with LMNB2-related conditions. Invitae Evidence Modeling of protein sequence and biophysical properties (such as structural, functional, and spatial information, amino acid conservation, physicochemical variation, residue mobility, and thermodynamic stability) indicates that this missense variant is not expected to disrupt LMNB2 protein function with a negative predictive value of 80%. In summary, the available evidence is currently insufficient to determine the role of this variant in disease. Therefore, it has been classified as a Variant of Uncertain Significance.

NM_032737.4(LMNB2):c.1326G>T (p.Glu442Asp)

Gene: LMNB2 (lamin B2; minus strand). Cytogenetic location: 19p13.3.
Variant type: single nucleotide variant.
Coding change: c.1326G>T on transcript NM_032737.4 (MANE Select); coding-DNA position 1326, G replaced by T.
Protein change: p.Glu442Asp; replaces glutamic acid 442 with aspartic acid.
Molecular consequence: missense variant.
Genome position (GRCh38, 1-based): chr19:2,433,982, C>A on the plus strand (G>T on the coding strand, the complement: LMNB2 is on the minus strand). VCF-style: chr19-2433982-C-A. GRCh37 (hg19) VCF-style: chr19-2433980-C-A.
Other names: short protein forms E442D.
Identifiers: ClinVar variation 2939755 (VCV002939755.3), dbSNP rs2512234727, ClinGen allele CA403251896.
Genomic context (GRCh38, chr19:2,433,982, plus strand): 5'-GAAGCCACCGCTGCCACCCGTGCCCGTGCCCAGGACGCTTGGGCCGCTGCCCAAGGGCTC[C>A]TCCACCTCCAGCCGCTTCCGCTTACTGCGGCCCAGGCGCCCGGTGGCGGACAAGCTGCCG-3'
Protein context (NP_116126.3, residues 432-452): GRSKRKRLEV[Glu442Asp]EPLGSGPSVL